The following is an entry in ClinVar:

NM_001164508.2(NEB):c.23457dup (p.Tyr7820fs)

Genes: NEB (nebulin; minus strand), RIF1 (replication timing regulatory factor 1; plus strand). Cytogenetic location: 2q23.3.
Variant type: Duplication.
Coding change: c.23457dup on transcript NM_001164508.2 (MANE Select); coding-DNA position 23457, one base duplicated (A; older notation c.23457dupA).
Protein change: p.Tyr7820fs; shifts the reading frame from tyrosine 7820.
Molecular consequence: frameshift variant.
Genome position (GRCh38, 1-based): chr2:151,507,008, T duplicated on the plus strand (A on the coding strand, the reverse complement: NEB is on the minus strand); the first of 2 consecutive T bases (chr2:151,507,008-151,507,009); duplicating either gives the same sequence. VCF-style (leftmost placement, unchanged base first): chr2-151507007-A-AT. GRCh37 (hg19) VCF-style: chr2-152363521-A-AT.
Other names: c.23457dup, p.Tyr7820fs (NM_001164507.2); c.23562dup, p.Tyr7855fs (NM_001271208.2); c.18354dup, p.Tyr6119fs (NM_004543.5); short protein forms Y6119fs, Y7820fs, Y7855fs.
Identifiers: ClinVar variation 1726002 (VCV001726002.2), dbSNP rs2552010277, ClinGen allele CA2580063899.
Genomic context (GRCh38, chr2:151,507,007, plus strand): 5'-TTTCTGGCGTGTCTTGAACAACTGTAATTTTTCCTTTACTGTTTTTAAGGTCACACTGGT[A>AT]TTGGAGCTATGAAGAAAGAGTAAACATCTTGTTAAGATTTCAACATTGCTTTGTTTTCTT-3'

ClinVar aggregate classification (germline): Likely pathogenic (1 of 4 stars; one submission).

Conditions:
Nemaline myopathy 2 (NEM2). Also called: Nemaline myopathy 2, autosomal recessive. Identifiers: MedGen C1850569, MONDO:0009725, OMIM 256030.

Submission:

Myriad Genetics, Inc.
Classification: Likely pathogenic for Nemaline myopathy 2. Last evaluated: 2022-05-03. Review status: criteria provided, single submitter. Criteria: Myriad Women's Health Autosomal Recessive and X-Linked Classification Criteria (2021). Collection method: clinical testing. Allele origin: unknown.
Comment: NM_001271208.1(NEB):c.23562dupA(Y7855Ifs*4) is expected to be pathogenic in the context of NEB-related nemaline myopathy. This variant is predicted to lead to an abnormal or absent protein product due to the creation of a premature termination codon in NEB, a gene where loss-of-function variants are known to be pathogenic. Please note: this variant was assessed in the context of healthy population screening.